The following is an entry in ClinVar:

ClinVar aggregate classification (germline): Likely benign. Review status: criteria provided, multiple submitters, no conflicts (2 of 4 stars). 2 submissions from 2 submitters: Likely benign (2). Last evaluated 2026-07-01.

Allele frequency attached by ClinVar (database versions not stated): TOPMed 0.00015; 1000 Genomes Project 30x 0.00031; 1000 Genomes Project 0.00040.
gnomAD v4.1: 47 of 1,614,130 alleles (0.0029%); highest among the groups gnomAD compares: African/African-American, 0.055%; 1 homozygote.

Submissions (2):

CeGaT Center for Human Genetics Tuebingen
Classification: Likely benign. Last evaluated: 2026-07-01. Review status: criteria provided, single submitter. Criteria: CeGaT Center For Human Genetics Tuebingen Variant Classification Criteria Version 2. Collection method: clinical testing. Allele origin: germline. Affected: yes. Observed: 1 variant allele.
Comment: FOXRED1: BP4, BP7

Labcorp Genetics (formerly Invitae), Labcorp
Classification: Likely benign. Last evaluated: 2026-01-14. Review status: criteria provided, single submitter. Criteria: Invitae Variant Classification Sherloc (09022015). Collection method: clinical testing. Allele origin: germline.

NM_017547.4(FOXRED1):c.123C>A (p.Ile41=)

Gene: FOXRED1 (FAD dependent oxidoreductase domain containing 1; plus strand). Cytogenetic location: 11q24.2.
Variant type: single nucleotide variant.
Coding change: c.123C>A on transcript NM_017547.4 (MANE Select); coding-DNA position 123, C replaced by A.
Protein change: p.Ile41=; no amino-acid change (isoleucine 41 retained).
Molecular consequence: synonymous variant. On other transcripts: non-coding transcript variant (1).
Genome position (GRCh38, 1-based): chr11:126,271,474, C>A. VCF-style: chr11-126271474-C-A. GRCh37 (hg19) VCF-style: chr11-126141369-C-A.
Other names: c.123C>A, p.Ile41= (NM_001425160.1, NM_001425161.1, NM_001425163.1 and 4 more transcripts); c.-408C>A (NM_001425169.1); c.-388C>A (NM_001425170.1); c.-435C>A (NM_001425171.1); c.-416C>A (NM_001425174.1, NM_001425175.1).
Identifiers: ClinVar variation 3012439 (VCV003012439.4), dbSNP rs550072006, ClinGen allele CA6353981.